The following is an entry in ClinVar:

ClinVar aggregate classification (germline): Uncertain significance (1 of 4 stars; one submission).

gnomAD v4.1: 1 of 1,613,460 alleles (0.000062%); highest among the groups gnomAD compares: Middle Eastern, 0.016%; no homozygotes.

Submission:

Labcorp Genetics (formerly Invitae), Labcorp
Classification: Uncertain significance. Last evaluated: 2024-10-31. Review status: criteria provided, single submitter. Criteria: Invitae Variant Classification Sherloc (09022015). Collection method: clinical testing. Allele origin: germline.
Comment: This sequence change replaces glutamic acid, which is acidic and polar, with lysine, which is basic and polar, at codon 993 of the MYO7A protein (p.Glu993Lys). This variant is not present in population databases (gnomAD no frequency). This variant has not been reported in the literature in individuals affected with MYO7A-related conditions. Invitae Evidence Modeling of protein sequence and biophysical properties (such as structural, functional, and spatial information, amino acid conservation, physicochemical variation, residue mobility, and thermodynamic stability) indicates that this missense variant is not expected to disrupt MYO7A protein function with a negative predictive value of 95%. In summary, the available evidence is currently insufficient to determine the role of this variant in disease. Therefore, it has been classified as a Variant of Uncertain Significance.

NM_000260.4(MYO7A):c.2977G>A (p.Glu993Lys)

Gene: MYO7A (myosin VIIA; plus strand). Cytogenetic location: 11q13.5.
Variant type: single nucleotide variant.
Coding change: c.2977G>A on transcript NM_000260.4 (MANE Select); coding-DNA position 2977, G replaced by A.
Protein change: p.Glu993Lys; replaces glutamic acid 993 with lysine.
Molecular consequence: missense variant.
Genome position (GRCh38, 1-based): chr11:77,182,023, G>A. VCF-style: chr11-77182023-G-A. GRCh37 (hg19) VCF-style: chr11-76893069-G-A.
Other names: c.2977G>A, p.Glu993Lys (NM_001127180.2); c.2944G>A, p.Glu982Lys (NM_001369365.1); short protein forms E982K, E993K.
Identifiers: ClinVar variation 3691886 (VCV003691886.2).